The following is an entry in ClinVar:

ClinVar aggregate classification (germline): Pathogenic. Review status: criteria provided, multiple submitters, no conflicts (2 of 4 stars). 5 submissions from 5 submitters: Pathogenic (4). 1 of the submissions does not count toward it. Last evaluated 2024-05-14.

Conditions:
Hereditary cancer-predisposing syndrome. Also called: Hereditary Cancer Syndrome; Neoplastic Syndromes, Hereditary; Hereditary neoplastic syndrome; Tumor predisposition. Identifiers: Orphanet 140162, MedGen C0027672, MeSH D009386, MONDO:0015356.
Ovarian neoplasm. Also called: Neoplasm of ovary; Ovarian tumor; Ovarian Neoplasms. Identifiers: MedGen C0919267, MeSH D010051, MONDO:0021068, HP:0100615.
Hereditary breast ovarian cancer syndrome. Also called: Hereditary breast and ovarian cancer syndrome (HBOC); Breast and ovarian cancer; Hereditary breast and ovarian cancer syndrome; Hereditary breast and ovarian cancer; BRCA1- and BRCA2-Associated Hereditary Breast and Ovarian Cancer; Hereditary breast and/or ovarian cancer syndrome. Identifiers: Orphanet 145, MedGen C0677776, MeSH D061325, MONDO:0003582. Disease mechanism: loss of function.
Breast-ovarian cancer, familial, susceptibility to, 1 (BROVCA1). Also called: BRCA1 Hereditary Breast and Ovarian Cancer; OVARIAN CANCER, SUSCEPTIBILITY TO. Identifiers: Orphanet 145, MedGen C2676676, MONDO:0011450, OMIM 604370. Disease mechanism: loss of function.

Submissions (6):

Ambry Genetics
Classification: Pathogenic for Hereditary cancer-predisposing syndrome. Last evaluated: 2024-05-14. Review status: criteria provided, single submitter. Criteria: Ambry Variant Classification Scheme 2023. Collection method: clinical testing. Allele origin: germline.
Comment: The c.5333-1G>T intronic pathogenic mutation results from a G to T substitution one nucleotide upstream from coding exon 20 of the BRCA1 gene. This alteration (also described as IVS21-1G>T) has been reported in individuals with both early onset and bilateral breast cancers (Wappenschmidt B et al. PLoS ONE, 2012 Dec;7:e50800). In addition, RT-PCR by Wappenschmidt et al. using patient-derived cDNA demonstrated that this alteration results in skipping of coding exon 20 (reported as exon 22). This variant is considered to be rare based on population cohorts in the Genome Aggregation Database (gnomAD). This nucleotide position is highly conserved in available vertebrate species. In silico splice site analysis predicts that this alteration will weaken the native splice acceptor site. In addition to the clinical data presented in the literature, alterations that disrupt the canonical splice site are expected to cause aberrant splicing, resulting in an abnormal protein or a transcript that is subject to nonsense-mediated mRNA decay. As such, this alteration is classified as a disease-causing mutation.

Color Diagnostics, LLC DBA Color Health
Classification: Pathogenic for Hereditary cancer-predisposing syndrome. Last evaluated: 2022-02-08. Review status: criteria provided, single submitter. Criteria: ACMG Guidelines, 2015. Collection method: clinical testing. Allele origin: germline.
Comment: This variant causes a G to T nucleotide substitution at the -1 position of intron 20 of the BRCA1 gene. This variant is also known as IVS21-G>T based on Breast Cancer Information Core (BIC) nomenclature. Functional RNA studies have shown that this variant can cause exon skipping, and is predicted to result in the premature truncation of the protein (PMID: 23239986). This variant has also been reported to be loss-of-function in a haploid cell proliferation assay (PMID: 30209399). This variant has been reported in individuals affected with breast cancer (PMID: 23239986), and has been identified in one family among the CIMBA participants (PMID: 29446198). Different variants affecting the same splice acceptor site, c.5333-1G>C and c.5333-1G>A, are known to be disease-causing (ClinVar variation ID: 55534, 55533). This variant has not been identified in the general population by the Genome Aggregation Database (gnomAD). Loss of BRCA1 function is a known mechanism of disease. Based on the available evidence, this variant is classified as Pathogenic.

Labcorp Genetics (formerly Invitae), Labcorp
Classification: Pathogenic for Hereditary breast ovarian cancer syndrome. Last evaluated: 2021-02-06. Review status: criteria provided, single submitter. Criteria: Invitae Variant Classification Sherloc (09022015). Collection method: clinical testing. Allele origin: germline.
Comment: This variant is not present in population databases (ExAC no frequency). For these reasons, this variant has been classified as Pathogenic. Studies have shown that this variant is associated with skipping of exon 22, which introduces a premature termination codon (PMID: 23239986). The resulting mRNA is expected to undergo nonsense-mediated decay. Experimental studies have shown that this variant affects BRCA1 protein function (PMID: 30209399). This variant has been observed in individual(s) with breast cancer (PMID: 23239986). ClinVar contains an entry for this variant (Variation ID: 267600). This sequence change affects an acceptor splice site in intron 20 of the BRCA1 gene. RNA analysis indicates that this variant induces altered splicing and may result in an absent or disrupted protein product.

Consortium of Investigators of Modifiers of BRCA1/2 (CIMBA), c/o University of Cambridge
Classification: Pathogenic for Breast-ovarian cancer, familial, susceptibility to, 1. Last evaluated: 2015-10-02. Review status: criteria provided, single submitter. Criteria: CIMBA Mutation Classification guidelines May 2016. Collection method: clinical testing. Allele origin: germline.

German Consortium for Hereditary Breast and Ovarian Cancer, University Hospital Cologne
Classification: Likely pathogenic for Ovarian neoplasm. Last evaluated: 2018-12-01. Review status: no assertion criteria provided. Collection method: research. Allele origin: somatic. Affected: yes. Not counted in ClinVar's aggregate classification.

Brotman Baty Institute, University of Washington
No classification provided (evidence only). Condition: Breast-ovarian cancer, familial 1. Review status: no classification provided. Collection method: in vitro. Allele origin: not applicable. Functional consequence: functionally_abnormal. Not counted in ClinVar's aggregate classification.
ClinVar note: "not provided" was previously submitted as the classification for the variant. However, the classification appeared to be based only on an observation of functional data so it was converted to no classification on 2025-07-30.

Literature cited by the submitters: PubMed 23239986 (cited by 3 submitters); PubMed 29446198 (cited by Ambry Genetics and Color Diagnostics, LLC DBA Color Health); PubMed 30209399 (cited by Color Diagnostics, LLC DBA Color Health and Labcorp Genetics (formerly Invitae), Labcorp).

NM_007294.4(BRCA1):c.5333-1G>T

Gene: BRCA1 (BRCA1 DNA repair associated; minus strand). Cytogenetic location: 17q21.31.
Variant type: single nucleotide variant.
Coding change: c.5333-1G>T on transcript NM_007294.4 (MANE Select); the canonical splice acceptor site of the intron before coding-DNA position 5333, G replaced by T.
Molecular consequence: splice acceptor variant. On other transcripts: intron variant (19).
Genome position (GRCh38, 1-based): chr17:43,049,195, C>A on the plus strand (G>T on the coding strand, the complement: BRCA1 is on the minus strand). VCF-style: chr17-43049195-C-A. GRCh37 (hg19) VCF-style: chr17-41201212-C-A.
Other names: c.1943-1G>T (NM_001408412.1, NM_001408413.1, NM_001408414.1 and 2 more transcripts); c.5252-1G>T (NM_001407656.1, NM_001407657.1, NM_001407658.1); c.5255-1G>T (NM_001407654.1, NM_001407652.1, NM_001407653.1 and 1 more transcripts); c.1682-1G>T (NM_001408509.1); c.1685-1G>T (NM_001408508.1); c.1811-1G>T (NM_001408491.1, NM_001408481.1, NM_001408490.1 and 5 more transcripts); c.5117-1G>T (NM_001407918.1, NM_001407915.1, NM_001407916.1 and 1 more transcripts); c.5120-1G>T (NM_001407894.1, NM_001407909.1, NM_001407906.1 and 12 more transcripts); and 84 more.
Identifiers: ClinVar variation 267600 (VCV000267600.25), dbSNP rs80358126, ClinGen allele CA10590802.
Genomic context (GRCh38, chr17:43,049,195, plus strand): 5'-ATGATGAAAGCTCCTTCACCACAGAAGCACCACACAGCTGTACCATCCATTCCAGTTGAT[C>A]TAAAATGGACATTTAGATGTAAAATCACTGCAGTAATCTGCATACTTAACCCAGGCCCTC-3'